The following is an entry in ClinVar:

ClinVar aggregate classification (germline): Uncertain significance (1 of 4 stars; one submission).

Conditions:
Ehlers-Danlos syndrome, classic type, 1 (EDSCL1). Also called: EHLERS-DANLOS SYNDROME, GRAVIS TYPE; EHLERS-DANLOS SYNDROME, SEVERE CLASSIC TYPE; Ehlers-Danlos syndrome, type 1; Ehlers-Danlos Syndrome, Classic Type, COL5A1-Related; EDS I. Identifiers: MedGen C0268335, MONDO:0019567, OMIM 130000.

Submission:

Labcorp Genetics (formerly Invitae), Labcorp
Classification: Uncertain significance for Ehlers-Danlos syndrome, classic type, 1. Last evaluated: 2024-04-17. Review status: criteria provided, single submitter. Criteria: Invitae Variant Classification Sherloc (09022015). Collection method: clinical testing. Allele origin: germline.
Comment: This sequence change replaces aspartic acid, which is acidic and polar, with glycine, which is neutral and non-polar, at codon 1235 of the COL5A2 protein (p.Asp1235Gly). This variant is not present in population databases (gnomAD no frequency). This variant has not been reported in the literature in individuals affected with COL5A2-related conditions. Advanced modeling of protein sequence and biophysical properties (such as structural, functional, and spatial information, amino acid conservation, physicochemical variation, residue mobility, and thermodynamic stability) performed at Invitae indicates that this missense variant is not expected to disrupt COL5A2 protein function with a negative predictive value of 95%. In summary, the available evidence is currently insufficient to determine the role of this variant in disease. Therefore, it has been classified as a Variant of Uncertain Significance.

NM_000393.5(COL5A2):c.3704A>G (p.Asp1235Gly)

Gene: COL5A2 (collagen type V alpha 2 chain; minus strand). Cytogenetic location: 2q32.2.
Variant type: single nucleotide variant.
Coding change: c.3704A>G on transcript NM_000393.5 (MANE Select); coding-DNA position 3704, A replaced by G.
Protein change: p.Asp1235Gly; replaces aspartic acid 1235 with glycine.
Molecular consequence: missense variant.
Genome position (GRCh38, 1-based): chr2:189,039,493, T>C on the plus strand (A>G on the coding strand, the complement: COL5A2 is on the minus strand). VCF-style: chr2-189039493-T-C. GRCh37 (hg19) VCF-style: chr2-189904219-T-C.
Other names: short protein forms D1235G.
Identifiers: ClinVar variation 3671372 (VCV003671372.2).
Genomic context (GRCh38, chr2:189,039,493, plus strand): 5'-TGATCTTCAGTAAACTCAGGAAGTGGATCTGGCATGCTTTCATCATAGTGCCCCATGATA[T>C]CCCCAAGAGCAGCTGTAAGGTGGCCAGGGGGACCCGGAGGGCCAGGTGGGCCAGGCTCAC-3'
Protein context (NP_000384.2, residues 1225-1245): PPGHLTAALG[Asp1235Gly]IMGHYDESMP